The following is an entry in ClinVar:

ClinVar aggregate classification (germline): Pathogenic (1 of 4 stars; one submission).

Conditions:
Hereditary cancer-predisposing syndrome. Also called: Neoplastic Syndromes, Hereditary; Tumor predisposition; Hereditary Cancer Syndrome; Hereditary neoplastic syndrome. Identifiers: Orphanet 140162, MedGen C0027672, MeSH D009386, MONDO:0015356.

Submission:

Ambry Genetics
Classification: Pathogenic for Hereditary cancer-predisposing syndrome. Last evaluated: 2021-12-29. Review status: criteria provided, single submitter. Criteria: Ambry Variant Classification Scheme 2023. Collection method: clinical testing. Allele origin: germline.
Comment: The c.1910_1931dup22 pathogenic mutation, located in coding exon 17 of the TSC2 gene, results from a duplication of TCGTGCGGTTCAGCCCCTACTG at nucleotide position 1910, causing a translational frameshift with a predicted alternate stop codon (p.V645Rfs*19). This variant is considered to be rare based on population cohorts in the Genome Aggregation Database (gnomAD). This alteration is expected to result in loss of function by premature protein truncation or nonsense-mediated mRNA decay. As such, this alteration is interpreted as a disease-causing mutation.

NM_000548.5(TSC2):c.1910_1931dup (p.Val645fs)

Gene: TSC2 (TSC complex subunit 2; plus strand). Cytogenetic location: 16p13.3.
Variant type: Duplication.
Coding change: c.1910_1931dup on transcript NM_000548.5 (MANE Select); coding-DNA positions 1910 to 1931, 22 bases duplicated (TCGTGCGGTTCAGCCCCTACTG).
Protein change: p.Val645fs; shifts the reading frame from valine 645.
Molecular consequence: frameshift variant.
Genome position (GRCh38, 1-based): chr16:2,071,580-2,071,601, TCGTGCGGTTCAGCCCCTACTG duplicated; duplicating any 22 consecutive bases within chr16:2,071,579-2,071,601 gives the same sequence; the c. name uses the placement nearest the transcript's 3' end. VCF-style (leftmost placement, unchanged base first): chr16-2071578-A-AGTCGTGCGGTTCAGCCCCTACT. GRCh37 (hg19) VCF-style: chr16-2121579-A-AGTCGTGCGGTTCAGCCCCTACT.
Other names: c.566_587dup, p.Val197Argfs (NM_001406690.1, NM_001406691.1, NM_001406692.1 and 6 more transcripts); c.308_329dup, p.Val111Argfs (NM_001406698.1); c.1910_1931dup, p.Val645fs (NM_021055.3, NM_001077183.3, NM_001114382.3 and 3 more transcripts); c.1799_1820dup, p.Val608fs (NM_001318827.2); c.1763_1784dup, p.Val596fs (NM_001318829.2); c.1310_1331dup, p.Val445fs (NM_001318831.2); c.1943_1964dup, p.Val656fs (NM_001318832.2); c.1910_1931dup, p.Val645Argfs (NM_001406663.1, NM_001406664.1, NM_001406665.1); and 8 more; short protein forms V596fs, V656fs, V445fs, V608fs, V645fs.
Identifiers: ClinVar variation 1782492 (VCV001782492.2), dbSNP rs2543677759, ClinGen allele CA2580090628.